The following is an entry in ClinVar:

ClinVar aggregate classification (germline): Likely benign. Review status: criteria provided, multiple submitters, no conflicts (2 of 4 stars). 3 submissions from 3 submitters: Likely benign (2). 1 of the submissions does not count toward it. Last evaluated 2026-01-12.

Conditions:
DMXL2-related disorder. Also called: DMXL2-related condition.

Allele frequency attached by ClinVar (database versions not stated): ESP Exome Variant Server 0.00008; 1000 Genomes Project 30x 0.00016; 1000 Genomes Project 0.00020.
gnomAD v4.1: 80 of 1,614,066 alleles (0.005%); highest among the groups gnomAD compares: Middle Eastern, 0.033%; no homozygotes.

Submissions (3):

Labcorp Genetics (formerly Invitae), Labcorp
Classification: Likely benign. Last evaluated: 2026-01-12. Review status: criteria provided, single submitter. Criteria: Invitae Variant Classification Sherloc (09022015). Collection method: clinical testing. Allele origin: germline.

CeGaT Center for Human Genetics Tuebingen
Classification: Likely benign. Last evaluated: 2022-09-01. Review status: criteria provided, single submitter. Criteria: CeGaT Center For Human Genetics Tuebingen Variant Classification Criteria Version 2. Collection method: clinical testing. Allele origin: germline. Affected: yes. Observed: 2 variant alleles.
Comment: DMXL2: BP4, BP7

PreventionGenetics, part of Exact Sciences
Classification: Likely benign for DMXL2-related condition. Last evaluated: 2020-11-03. Review status: no assertion criteria provided. Collection method: clinical testing. Allele origin: germline. Not counted in ClinVar's aggregate classification.
Comment: This variant is classified as likely benign based on ACMG/AMP sequence variant interpretation guidelines (Richards et al. 2015 PMID: 25741868, with internal and published modifications).

NM_001378457.1(DMXL2):c.3420C>T (p.Ser1140=)

Gene: DMXL2 (Dmx like 2; minus strand). Cytogenetic location: 15q21.2.
Variant type: single nucleotide variant.
Coding change: c.3420C>T on transcript NM_001378457.1 (MANE Select); coding-DNA position 3420, C replaced by T.
Protein change: p.Ser1140=; no amino-acid change (serine 1140 retained).
Molecular consequence: synonymous variant. On other transcripts: non-coding transcript variant (2), intron variant (2).
Genome position (GRCh38, 1-based): chr15:51,499,804, G>A on the plus strand (C>T on the coding strand, the complement: DMXL2 is on the minus strand). VCF-style: chr15-51499804-G-A. GRCh37 (hg19) VCF-style: chr15-51792001-G-A.
Other names: c.3420C>T (NM_001174116.1); c.3420C>T, p.Ser1140= (NM_001174116.3, NM_001378458.1, NM_001378459.1 and 4 more transcripts); c.3180C>T, p.Ser1060= (NM_001378464.1); c.2764+7330C>T (NM_001378460.1); c.2765-4670C>T (NM_001174117.3).
Identifiers: ClinVar variation 1568341 (VCV001568341.32), dbSNP rs368031898, ClinGen allele CA7562170.